The following is an entry in ClinVar:

ClinVar aggregate classification (germline): Uncertain significance (1 of 4 stars; one submission).

Submission:

Labcorp Genetics (formerly Invitae), Labcorp
Classification: Uncertain significance. Last evaluated: 2023-01-13. Review status: criteria provided, single submitter. Criteria: Invitae Variant Classification Sherloc (09022015). Collection method: clinical testing. Allele origin: germline.
Comment: This variant, c.2797_2814del, results in the deletion of 6 amino acid(s) of the CSF1R protein (p.Gly933_Ser938del), but otherwise preserves the integrity of the reading frame. This variant is not present in population databases (gnomAD no frequency). This variant has not been reported in the literature in individuals affected with CSF1R-related conditions. Experimental studies and prediction algorithms are not available or were not evaluated, and the functional significance of this variant is currently unknown. In summary, the available evidence is currently insufficient to determine the role of this variant in disease. Therefore, it has been classified as a Variant of Uncertain Significance.

NM_001288705.3(CSF1R):c.2797_2814del (p.Gly933_Ser938del)

Gene: CSF1R (colony stimulating factor 1 receptor; minus strand). Cytogenetic location: 5q32.
Variant type: Deletion.
Coding change: c.2797_2814del on transcript NM_001288705.3 (MANE Select); coding-DNA positions 2797 to 2814, 18 bases deleted (GGTGGCAGCGGCAGCAGC).
Protein change: p.Gly933_Ser938del.
Molecular consequence: inframe deletion. On other transcripts: non-coding transcript variant (2).
Genome position (GRCh38, 1-based): chr5:150,054,174-150,054,191, GCTGCTGCCGCTGCCACC deleted on the plus strand (GGTGGCAGCGGCAGCAGC on the coding strand, the reverse complement: CSF1R is on the minus strand); deleting any 18 consecutive bases within chr5:150,054,174-150,054,194 gives the same sequence; the c. name uses the placement nearest the transcript's 3' end. VCF-style (leftmost placement, unchanged base first): chr5-150054173-TGCTGCTGCCGCTGCCACC-T. GRCh37 (hg19) VCF-style: chr5-149433736-TGCTGCTGCCGCTGCCACC-T.
Other names: c.2797_2814del, p.Gly933_Ser938del (NM_001349736.2, NM_001375320.1, NM_005211.4); c.2353_2370del, p.Gly785_Ser790del (NM_001375321.1).
Identifiers: ClinVar variation 2828122 (VCV002828122.3), dbSNP rs2480935332, ClinGen allele CA2739272743.
Genomic context (GRCh38, chr5:150,054,173, plus strand): 5'-TATCCCCTTGCTCGCAGCAGGTCAGGTGCTCACTAGAGCTCTCCTCCTCCAGCTCACTGC[TGCTGCTGCCGCTGCCACC>T]GCTTCTGCTGCTGCTCGGCAGATTGGTATAGTCCTGAGGGTGGGAGGGACCAGAAACTGT-3'